The following is an entry in ClinVar:

ClinVar aggregate classification (germline): Uncertain significance (1 of 4 stars; one submission).

Conditions:
Inborn genetic diseases. Identifiers: MedGen C0950123, MeSH D030342.

Submission:

Ambry Genetics
Classification: Uncertain significance for Inborn genetic diseases. Last evaluated: 2025-04-06. Review status: criteria provided, single submitter. Criteria: Ambry Variant Classification Scheme 2023. Collection method: clinical testing. Allele origin: germline.
Comment: The p.N893T variant (also known as c.2678A>C), located in coding exon 1 of the SAMD9 gene, results from an A to C substitution at nucleotide position 2678. The asparagine at codon 893 is replaced by threonine, an amino acid with similar properties. This amino acid position is conserved. In addition, this alteration is predicted to be tolerated by in silico analysis. Based on the available evidence, the clinical significance of this variant remains unclear.

NM_017654.4(SAMD9):c.2678A>C (p.Asn893Thr)

Gene: SAMD9 (sterile alpha motif domain containing 9; minus strand). Cytogenetic location: 7q21.2.
Variant type: single nucleotide variant.
Coding change: c.2678A>C on transcript NM_017654.4 (MANE Select); coding-DNA position 2678, A replaced by C.
Protein change: p.Asn893Thr; replaces asparagine 893 with threonine.
Molecular consequence: missense variant.
Genome position (GRCh38, 1-based): chr7:93,103,420, T>G on the plus strand (A>C on the coding strand, the complement: SAMD9 is on the minus strand). VCF-style: chr7-93103420-T-G. GRCh37 (hg19) VCF-style: chr7-92732733-T-G.
Other names: c.2678A>C, p.Asn893Thr (NM_001193307.2); short protein forms N893T.
Identifiers: ClinVar variation 3949522 (VCV003949522.1).
Genomic context (GRCh38, chr7:93,103,420, plus strand): 5'-TTGGTGAAAATATTCTGCCCTTTCAGGATATTCCGGACCACATTTTCTATGTATTCTTTA[T>G]TAAAATTGGTTTTCATGATCATAAAGGAATAAAAATCCTCAAAGTTTTTATGCTGTTCTT-3'
Protein context (NP_060124.2, residues 883-903): YSFMIMKTNF[Asn893Thr]KEYIENVVRN